The following is an entry in ClinVar:

NM_000179.3(MSH6):c.3917_3938dup (p.Ile1313_Gln1314insTer)

Gene: MSH6 (mutS homolog 6; plus strand). Cytogenetic location: 2p16.3.
Variant type: Duplication.
Coding change: c.3917_3938dup on transcript NM_000179.3 (MANE Select); coding-DNA positions 3917 to 3938, 22 bases duplicated (CTAATCTCCCAGAGGAAGTTAT).
Protein change: p.Ile1313_Gln1314insTer.
Molecular consequence: nonsense, inframe insertion.
Genome position (GRCh38, 1-based): chr2:47,806,567-47,806,588, CTAATCTCCCAGAGGAAGTTAT duplicated. VCF-style (leftmost placement, unchanged base first): chr2-47806566-G-GCTAATCTCCCAGAGGAAGTTAT. GRCh37 (hg19) VCF-style: chr2-48033705-G-GCTAATCTCCCAGAGGAAGTTAT.
Other names: c.3527_3548dup, p.Ile1183_Gln1184insTer (NM_001281492.2); c.3011_3032dup, p.Ile1011_Gln1012insTer (NM_001281493.2, NM_001281494.2).
Identifiers: ClinVar variation 433927 (VCV000433927.4), dbSNP rs1553333584, ClinGen allele CA645372556.
Genomic context (GRCh38, chr2:47,806,566, plus strand): 5'-CTCTATAAATTCATTAAGGGAGCTTGTCCTAAAAGCTATGGCTTTAATGCAGCAAGGCTT[G>GCTAATCTCCCAGAGGAAGTTAT]CTAATCTCCCAGAGGAAGTTATTCAAAAGGGACATAGAAAAGCAAGAGAATTTGAGAAGA-3'

ClinVar aggregate classification (germline): Likely pathogenic. Review status: criteria provided, single submitter (1 of 4 stars). 2 submissions from 2 submitters: Likely pathogenic (1). 1 of the submissions does not count toward it. Last evaluated 2021-06-08.

Conditions:
Breast and/or ovarian cancer. Identifiers: MedGen CN221562.
Carcinoma of colon (CRC). Also called: Colon carcinoma; Colonic carcinoma. Identifiers: MedGen C0699790, MONDO:0002032.

Submissions (2):

CHEO Genetics Diagnostic Laboratory, Children's Hospital of Eastern Ontario
Classification: Likely pathogenic for Breast and/or ovarian cancer. Last evaluated: 2021-06-08. Review status: criteria provided, single submitter. Criteria: ACMG Guidelines, 2015. Collection method: clinical testing. Allele origin: germline.

Department of Pathology and Laboratory Medicine, Sinai Health System
Classification: Pathogenic for Carcinoma of colon. Review status: no assertion criteria provided. Collection method: clinical testing. Allele origin: unknown. Affected: yes. Study: The Canadian Open Genetics Repository (COGR). Not counted in ClinVar's aggregate classification.
Comment: The MSH6 p.Gln1314X variant was not identified in the literature nor was it identified in the dbSNP, Clinvitae database, COSMIC, â€šÃ„ÃºMismatch Repair Genes Variant Databaseâ€šÃ„Ã¹, â€šÃ„ÃºMMR Gene Unclassified Variants Databaseâ€šÃ„Ã¹, InSiGHT Colon Cancer Gene Variant Database (LOVD), Zhejiang Colon Cancer Database (LOVD), ClinVar database, GeneInsight - COGR database, UMD, NHLBI GO Exome Sequencing Project and the Exome Aggregation Consortium database (August 8, 2016) databases. The variant occurs outside of the splicing consensus sequence and 4 of 5 in silico or computational prediction software programs (SpliceSiteFinder, MaxEntScan, NNSPLICE, GeneSplicer, HumanSpliceFinder) predict a greater than 10% difference in splicing. However, this information is not predictive enough to assume pathogenicity. The c.3917_3938dup variant is predicted to cause a frameshift, which alters the protein's amino acid sequence and leads to a premature stop codon at position 1314. This alteration is then predicted to result in a truncated or absent protein and loss of function. Loss of function variants of the MSH6 gene are an established mechanism of disease in Lynch syndrome and this is the type of variant expected to cause the disorder. In summary, based on the above information, this variant meets our laboratoryâ€šÃ„Ã´s criteria to be classified as pathogenic.